The following is an entry in ClinVar:

ClinVar aggregate classification (germline): Likely pathogenic. Review status: criteria provided, multiple submitters, no conflicts (2 of 4 stars). 2 submissions from 2 submitters: Likely pathogenic (2). Last evaluated 2024-04-04.

Conditions:
Trigonocephaly 2 (TRIGNO2). Identifiers: Orphanet 3366, MedGen C3280974, MONDO:0013774, OMIM 614485.
BNAR syndrome. Also called: Bifid Nose With or Without Anorectal and Renal Anomalies (BNAR) Syndrome. Identifiers: Orphanet 217266, MedGen C2750433, MONDO:0012165, OMIM 608980.
Oculotrichoanal syndrome (MOTA). Also called: MARLES SYNDROME; Manitoba Oculotrichoanal (MOTA) Syndrome. Identifiers: Orphanet 2717, MedGen C1855425, MONDO:0009560, OMIM 248450.

Allele frequency attached by ClinVar (database versions not stated): gnomAD exomes 0.00001.
gnomAD v4.1: 4 of 1,560,520 alleles (0.00026%); highest among the groups gnomAD compares: Middle Eastern, 0.017%; no homozygotes.

Submissions (2):

Fulgent Genetics
Classification: Likely pathogenic for Oculotrichoanal syndrome; BNAR syndrome; Trigonocephaly 2. Last evaluated: 2024-04-04. Review status: criteria provided, single submitter. Criteria: ACMG Guidelines, 2015. Collection method: clinical testing. Allele origin: germline.

Labcorp Genetics (formerly Invitae), Labcorp
Classification: Likely pathogenic. Last evaluated: 2023-12-10. Review status: criteria provided, single submitter. Criteria: Invitae Variant Classification Sherloc (09022015). Collection method: clinical testing. Allele origin: germline.
Comment: This sequence change affects an acceptor splice site in intron 22 of the FREM1 gene. It is expected to disrupt RNA splicing. Variants that disrupt the donor or acceptor splice site typically lead to a loss of protein function (PMID: 16199547), and loss-of-function variants in FREM1 are known to be pathogenic (PMID: 19732862, 21507892). The frequency data for this variant in the population databases is considered unreliable, as metrics indicate poor data quality at this position in the gnomAD database. This variant has not been reported in the literature in individuals affected with FREM1-related conditions. Algorithms developed to predict the effect of sequence changes on RNA splicing suggest that this variant may disrupt the consensus splice site. In summary, the currently available evidence indicates that the variant is pathogenic, but additional data are needed to prove that conclusively. Therefore, this variant has been classified as Likely Pathogenic.

Literature cited by the submitters: PubMed 16199547 (cited by Labcorp Genetics (formerly Invitae), Labcorp); PubMed 19732862 (cited by Labcorp Genetics (formerly Invitae), Labcorp); PubMed 21507892 (cited by Labcorp Genetics (formerly Invitae), Labcorp).

NM_001379081.2(FREM1):c.3840-2A>G

Gene: FREM1 (FRAS1 related extracellular matrix 1; minus strand). Cytogenetic location: 9p22.3.
Variant type: single nucleotide variant.
Coding change: c.3840-2A>G on transcript NM_001379081.2 (MANE Select); the canonical splice acceptor site of the intron before coding-DNA position 3840, A replaced by G.
Molecular consequence: splice acceptor variant.
Genome position (GRCh38, 1-based): chr9:14,792,886, T>C on the plus strand (A>G on the coding strand, the complement: FREM1 is on the minus strand). VCF-style: chr9-14792886-T-C. GRCh37 (hg19) VCF-style: chr9-14792884-T-C.
Other names: c.3840-2A>G (NM_144966.7, NM_144966.5).
Identifiers: ClinVar variation 2875317 (VCV002875317.4), dbSNP rs1380643285, ClinGen allele CA372967198.